The following is an entry in ClinVar:

ClinVar aggregate classification (germline): Uncertain significance (1 of 4 stars; one submission).

Conditions:
Hereditary cancer-predisposing syndrome. Also called: Neoplastic Syndromes, Hereditary; Tumor predisposition; Hereditary neoplastic syndrome; Hereditary Cancer Syndrome. Identifiers: Orphanet 140162, MedGen C0027672, MeSH D009386, MONDO:0015356.

gnomAD v4.1: 39 of 1,613,806 alleles (0.0024%); highest among the groups gnomAD compares: Middle Eastern, 0.016%; no homozygotes.

Submission:

Ambry Genetics
Classification: Uncertain significance for Hereditary cancer-predisposing syndrome. Last evaluated: 2026-07-06. Review status: criteria provided, single submitter. Criteria: Ambry Variant Classification Scheme 2023. Collection method: clinical testing. Allele origin: germline.
Comment: The p.S74C variant (also known as c.220A>T), located in coding exon 4 of the MAX gene, results from an A to T substitution at nucleotide position 220. The serine at codon 74 is replaced by cysteine, an amino acid with dissimilar properties. This amino acid position is conserved. In addition, this alteration is predicted to be tolerated by in silico analysis. Based on the available evidence, the clinical significance of this variant remains unclear.

NM_002382.5(MAX):c.172-6215A>T

Gene: MAX (MYC associated transcriptional regulator X; minus strand). Cytogenetic location: 14q23.3.
Variant type: single nucleotide variant.
Coding change: c.172-6215A>T on transcript NM_002382.5 (MANE Select); 6215 bases into the intron before coding-DNA position 172, A replaced by T.
Molecular consequence: intron variant. On other transcripts: missense variant (4), non-coding transcript variant (4).
Genome position (GRCh38, 1-based): chr14:65,084,251, T>A on the plus strand (A>T on the coding strand, the complement: MAX is on the minus strand). VCF-style: chr14-65084251-T-A. GRCh37 (hg19) VCF-style: chr14-65550969-T-A.
Other names: c.193A>T, p.Ser65Cys (NM_001271068.2, NM_001407113.1); c.243A>T, p.Lys81Asn (NM_001407114.1); c.220A>T, p.Ser74Cys (NM_145114.3); c.144+9457A>T (NM_001271069.2); c.171+9457A>T (NM_197957.4); c.-196-6215A>T (NM_001407112.1, NM_001407111.1); c.-103-6215A>T (NM_001407106.1, NM_001407107.1, NM_001320415.2 and 1 more transcripts); c.145-6215A>T (NM_001407095.1, NM_001407110.1, NM_001407102.1 and 6 more transcripts); and 2 more; short protein forms S65C, K81N, S74C.
Identifiers: ClinVar variation 5023948 (VCV005023948.1).